The following is an entry in ClinVar:

NM_004006.3(DMD):c.9318T>A (p.Tyr3106Ter)

Gene: DMD (dystrophin; minus strand). Cytogenetic location: Xp21.2.
Variant type: single nucleotide variant.
Coding change: c.9318T>A on transcript NM_004006.3 (MANE Select); coding-DNA position 9318, T replaced by A.
Protein change: p.Tyr3106Ter; replaces tyrosine 3106 with a stop codon.
Molecular consequence: nonsense.
Genome position (GRCh38, 1-based): chrX:31,223,090, A>T on the plus strand (T>A on the coding strand, the complement: DMD is on the minus strand). VCF-style: chrX-31223090-A-T. GRCh37 (hg19) VCF-style: chrX-31241207-A-T.
Other names: c.9294T>A, p.Tyr3098Ter (NM_000109.4); c.9306T>A, p.Tyr3102Ter (NM_004009.3); c.8949T>A, p.Tyr2983Ter (NM_004010.3); c.5295T>A, p.Tyr1765Ter (NM_004011.4); c.5286T>A, p.Tyr1762Ter (NM_004012.4); c.1938T>A, p.Tyr646Ter (NM_004013.3, NM_004020.4, NM_004021.3 and 2 more transcripts); c.1131T>A, p.Tyr377Ter (NM_004014.3); c.114T>A, p.Tyr38Ter (NM_004015.3, NM_004016.3, NM_004017.3 and 2 more transcripts); short protein forms Y377*, Y646*, Y2983*, Y1762*, Y3098*, Y3106*, Y1765*, Y3102*.
Identifiers: ClinVar variation 2811630 (VCV002811630.3), dbSNP rs2046260727, ClinGen allele CA412650922.

ClinVar aggregate classification (germline): Pathogenic (1 of 4 stars; one submission).

Conditions:
Duchenne muscular dystrophy (DMD). Also called: MUSCULAR DYSTROPHY, PSEUDOHYPERTROPHIC PROGRESSIVE, DUCHENNE TYPE; Duchenne Muscular Dystrophy (DMD). Identifiers: Orphanet 98896, MedGen C0013264, MONDO:0010679, OMIM 310200.

Submission:

Labcorp Genetics (formerly Invitae), Labcorp
Classification: Pathogenic for Duchenne muscular dystrophy. Last evaluated: 2022-11-02. Review status: criteria provided, single submitter. Criteria: Invitae Variant Classification Sherloc (09022015). Collection method: clinical testing. Allele origin: germline.
Comment: For these reasons, this variant has been classified as Pathogenic. This variant has not been reported in the literature in individuals affected with DMD-related conditions. This variant is not present in population databases (gnomAD no frequency). This sequence change creates a premature translational stop signal (p.Tyr3106*) in the DMD gene. It is expected to result in an absent or disrupted protein product. Loss-of-function variants in DMD are known to be pathogenic (PMID: 16770791, 25007885).

Literature cited by the submitters: PubMed 16770791; PubMed 25007885.